The following is an entry in ClinVar:

NM_001368397.1(FRMPD4):c.2778A>T (p.Gln926His)

Gene: FRMPD4 (FERM and PDZ domain containing 4; plus strand). Cytogenetic location: Xp22.2.
Variant type: single nucleotide variant.
Coding change: c.2778A>T on transcript NM_001368397.1 (MANE Select); coding-DNA position 2778, A replaced by T.
Protein change: p.Gln926His; replaces glutamine 926 with histidine.
Molecular consequence: missense variant.
Genome position (GRCh38, 1-based): chrX:12,717,604, A>T. VCF-style: chrX-12717604-A-T. GRCh37 (hg19) VCF-style: chrX-12735723-A-T.
Other names: c.2889A>T, p.Gln963His (NM_001368395.3, NM_001368398.3); c.2784A>T, p.Gln928His (NM_001368396.3); c.2769A>T, p.Gln923His (NM_001368399.3); c.2658A>T, p.Gln886His (NM_001368400.3); c.2754A>T, p.Gln918His (NM_001368401.1, NM_001368402.3); c.2778A>T, p.Gln926His (NM_014728.3); short protein forms Q886H, Q918H, Q923H, Q926H, Q928H, Q963H.
Identifiers: ClinVar variation 3389619 (VCV003389619.14).

ClinVar aggregate classification (germline): Uncertain significance (1 of 4 stars; one submission).

Submission:

CeGaT Center for Human Genetics Tuebingen
Classification: Uncertain significance. Last evaluated: 2024-09-01. Review status: criteria provided, single submitter. Criteria: CeGaT Center For Human Genetics Tuebingen Variant Classification Criteria Version 2. Collection method: clinical testing. Allele origin: germline. Affected: yes. Observed: 1 variant allele.
Comment: FRMPD4: PM2